The following is an entry in ClinVar:

NM_004859.4(CLTC):c.76G>A (p.Gly26Ser)

Gene: CLTC (clathrin heavy chain; plus strand). Cytogenetic location: 17q23.1.
Variant type: single nucleotide variant.
Coding change: c.76G>A on transcript NM_004859.4 (MANE Select); coding-DNA position 76, G replaced by A.
Protein change: p.Gly26Ser; replaces glycine 26 with serine.
Molecular consequence: missense variant.
Genome position (GRCh38, 1-based): chr17:59,644,309, G>A. VCF-style: chr17-59644309-G-A. GRCh37 (hg19) VCF-style: chr17-57721670-G-A.
Other names: c.76G>A, p.Gly26Ser (NM_001288653.2); short protein forms G26S.
Identifiers: ClinVar variation 5009996 (VCV005009996.1).

ClinVar aggregate classification (germline): Uncertain significance (1 of 4 stars; one submission).

gnomAD v4.1: 1 of 1,613,952 alleles (0.000062%); highest among the groups gnomAD compares: Non-Finnish European, 0.000085%; no homozygotes.

Submission:

GeneDx
Classification: Uncertain significance. Last evaluated: 2026-02-14. Review status: criteria provided, single submitter. Criteria: GeneDx Variant Classification Process June 2021. Collection method: clinical testing. Allele origin: germline.
Comment: Not observed at significant frequency in large population cohorts (gnomAD); In silico analysis suggests that this missense variant does not alter protein structure/function; Has not been previously published as pathogenic or benign to our knowledge